The following is an entry in ClinVar:

NM_004999.4(MYO6):c.875T>C (p.Leu292Ser)

Gene: MYO6 (myosin VI; plus strand). Cytogenetic location: 6q14.1.
Variant type: single nucleotide variant.
Coding change: c.875T>C on transcript NM_004999.4 (MANE Select); coding-DNA position 875, T replaced by C.
Protein change: p.Leu292Ser; replaces leucine 292 with serine.
Molecular consequence: missense variant. On other transcripts: non-coding transcript variant (1).
Genome position (GRCh38, 1-based): chr6:75,844,955, T>C. VCF-style: chr6-75844955-T-C. GRCh37 (hg19) VCF-style: chr6-76554672-T-C.
Other names: c.875T>C, p.Leu292Ser (NM_001300899.2, NM_001368136.1, NM_001368137.1 and 2 more transcripts); c.860T>C, p.Leu287Ser (NM_001368138.1); short protein forms L292S, L287S.
Identifiers: ClinVar variation 45167 (VCV000045167.29), dbSNP rs144038082, ClinGen allele CA135648.
Genomic context (GRCh38, chr6:75,844,955, plus strand): 5'-AGTATTTAAACCGAGGCTGCACTAGATACTTTGCTAACAAAGAAACTGACAAACAGATTT[T>C]ACAGAACCGCAAAAGTCCTGAGGTATAGTAGACCATTGTTCATAAAATCTTTAACTTAAA-3'
Protein context (NP_004990.3, residues 282-302): FANKETDKQI[Leu292Ser]QNRKSPEYLK

ClinVar aggregate classification (germline): Conflicting classifications of pathogenicity. Review status: criteria provided, conflicting classifications (1 of 4 stars). 8 submissions from 8 submitters: Uncertain significance (1); Likely benign (6). 1 of the submissions does not count toward it. Last evaluated 2025-12-22.

Conditions:
MYO6-related disorder. Also called: MYO6-related condition; MYO6-related disorders.
Autosomal dominant nonsyndromic hearing loss 22. Also called: DFNA 22; Autosomal dominant nonsyndromic deafness 22. Identifiers: Orphanet 228012, MedGen C2931767, MONDO:0011660, OMIM 606346.
Autosomal recessive nonsyndromic hearing loss 37. Identifiers: Orphanet 90636, MedGen C1843028, MONDO:0011912, OMIM 607821.

Allele frequency attached by ClinVar (database versions not stated): ExAC 0.00047; gnomAD exomes 0.00049 and 0.00052; gnomAD 0.00056 and 0.00060; TOPMed 0.00078; ESP Exome Variant Server 0.00092; 1000 Genomes Project 0.00160; 1000 Genomes Project 30x 0.00234.
gnomAD v4.1: 842 of 1,613,330 alleles (0.052%); highest among the groups gnomAD compares: Admixed American, 0.19%; 2 homozygotes.

Submissions (8):

Labcorp Genetics (formerly Invitae), Labcorp
Classification: Likely benign. Last evaluated: 2025-12-22. Review status: criteria provided, single submitter. Criteria: Invitae Variant Classification Sherloc (09022015). Collection method: clinical testing. Allele origin: germline.

Blueprint Genetics
Classification: Likely benign. Last evaluated: 2024-11-01. Review status: criteria provided, single submitter. Criteria: ACMG Guidelines, 2015. Collection method: clinical testing. Allele origin: germline.

Department of Pathology and Laboratory Medicine, Sinai Health System
Classification: Uncertain significance for Autosomal dominant nonsyndromic hearing loss 22; Autosomal recessive nonsyndromic hearing loss 37. Last evaluated: 2021-07-30. Review status: criteria provided, single submitter. Criteria: ACMG Guidelines, 2015. Collection method: research. Allele origin: germline.

GeneDx
Classification: Likely benign. Last evaluated: 2020-11-10. Review status: criteria provided, single submitter. Criteria: GeneDx Variant Classification Process June 2021. Collection method: clinical testing. Allele origin: germline. Affected: yes.
Comment: Has not been previously published as pathogenic or benign to our knowledge

Laboratory for Molecular Medicine, Mass General Brigham Personalized Medicine
Classification: Likely benign. Last evaluated: 2017-06-06. Review status: criteria provided, single submitter. Criteria: LMM Criteria. Collection method: clinical testing. Allele origin: germline. Observed: 6 variant alleles.
Comment: p.Leu292Ser in exon 10 of MYO6: This variant is not expected to have clinical si gnificance due to a lack of conservation across species, including mammals. Of n ote, 4 mammals (naked mole rat, guinea pig, brush-tailed rat, and David's myotis bat) have a serine (Ser) at this position despite high nearby amino acid conser vation. In addition, it has been identified in 0.2% (54/34408) of Latino chromos omes by the Genome Aggregation Database (gnomAD, g; dbSNP rs144038082).

ARUP Laboratories, Molecular Genetics and Genomics, ARUP Laboratories
Classification: Likely benign. Last evaluated: 2016-11-16. Review status: criteria provided, single submitter. Criteria: ARUP Molecular Germline Variant Investigation Process. Collection method: clinical testing. Allele origin: germline.

Breakthrough Genomics
Classification: Likely benign. Review status: criteria provided, single submitter. Criteria: ACMG Guidelines, 2015. Collection method: not provided. Allele origin: germline. Inheritance: Autosomal recessive inheritance. Affected: yes.

PreventionGenetics, part of Exact Sciences
Classification: Likely benign for MYO6-related condition. Last evaluated: 2023-08-09. Review status: no assertion criteria provided. Collection method: clinical testing. Allele origin: germline. Not counted in ClinVar's aggregate classification.
Comment: This variant is classified as likely benign based on ACMG/AMP sequence variant interpretation guidelines (Richards et al. 2015 PMID: 25741868, with internal and published modifications).